The following is an entry in ClinVar:

ClinVar aggregate classification (germline): Uncertain significance (1 of 4 stars; one submission).

Conditions:
Orthostatic hypotension 1 (ORTHYP1). Also called: Orthostatic hypotension 1, due to DBH deficiency; Dopamine beta-hydroxylase deficiency; NORADRENALINE DEFICIENCY; NOREPINEPHRINE DEFICIENCY. Identifiers: Orphanet 230, MedGen C4746777, MONDO:0009123, OMIM 223360.

Submission:

Labcorp Genetics (formerly Invitae), Labcorp
Classification: Uncertain significance for Orthostatic hypotension 1. Last evaluated: 2022-11-08. Review status: criteria provided, single submitter. Criteria: Invitae Variant Classification Sherloc (09022015). Collection method: clinical testing. Allele origin: germline.
Comment: This variant is not present in population databases (gnomAD no frequency). In summary, the available evidence is currently insufficient to determine the role of this variant in disease. Therefore, it has been classified as a Variant of Uncertain Significance. Advanced modeling of protein sequence and biophysical properties (such as structural, functional, and spatial information, amino acid conservation, physicochemical variation, residue mobility, and thermodynamic stability) performed at Invitae indicates that this missense variant is not expected to disrupt DBH protein function. This variant has not been reported in the literature in individuals affected with DBH-related conditions. This sequence change replaces histidine, which is basic and polar, with tyrosine, which is neutral and polar, at codon 73 of the DBH protein (p.His73Tyr).

NM_000787.4(DBH):c.217C>T (p.His73Tyr)

Gene: DBH (dopamine beta-hydroxylase; plus strand). Cytogenetic location: 9q34.2.
Variant type: single nucleotide variant.
Coding change: c.217C>T on transcript NM_000787.4 (MANE Select); coding-DNA position 217, C replaced by T.
Protein change: p.His73Tyr; replaces histidine 73 with tyrosine.
Molecular consequence: missense variant.
Genome position (GRCh38, 1-based): chr9:133,636,588, C>T. VCF-style: chr9-133636588-C-T. GRCh37 (hg19) VCF-style: chr9-136501710-C-T.
Other names: short protein forms H73Y.
Identifiers: ClinVar variation 2001071 (VCV002001071.4), dbSNP rs2538334541, ClinGen allele CA375407281.